The following is an entry in ClinVar:

ClinVar aggregate classification (germline): Likely benign (1 of 4 stars; one submission).

Allele frequency attached by ClinVar (database versions not stated): gnomAD exomes 0.00001.
gnomAD v4.1: 9 of 1,613,838 alleles (0.00056%); highest among the groups gnomAD compares: Non-Finnish European, 0.00076%; no homozygotes.

Submission:

CeGaT Center for Human Genetics Tuebingen
Classification: Likely benign. Last evaluated: 2024-02-01. Review status: criteria provided, single submitter. Criteria: CeGaT Center For Human Genetics Tuebingen Variant Classification Criteria Version 2. Collection method: clinical testing. Allele origin: germline. Affected: yes. Observed: 1 variant allele.
Comment: ASXL3: PM2:Supporting, BP4, BP7

NM_030632.3(ASXL3):c.3273A>G (p.Gly1091=)

Gene: ASXL3 (ASXL transcriptional regulator 3; plus strand). Cytogenetic location: 18q12.1.
Variant type: single nucleotide variant.
Coding change: c.3273A>G on transcript NM_030632.3 (MANE Select); coding-DNA position 3273, A replaced by G.
Protein change: p.Gly1091=; no amino-acid change (glycine 1091 retained).
Molecular consequence: synonymous variant.
Genome position (GRCh38, 1-based): chr18:33,743,121, A>G. VCF-style: chr18-33743121-A-G. GRCh37 (hg19) VCF-style: chr18-31323085-A-G.
Identifiers: ClinVar variation 3027343 (VCV003027343.22), dbSNP rs2510924682, ClinGen allele CA503769567.